The following is an entry in ClinVar:

NM_000138.5(FBN1):c.8070G>A (p.Met2690Ile)

Gene: FBN1 (fibrillin 1; minus strand). Cytogenetic location: 15q21.1.
Variant type: single nucleotide variant.
Coding change: c.8070G>A on transcript NM_000138.5 (MANE Select); coding-DNA position 8070, G replaced by A.
Protein change: p.Met2690Ile; replaces methionine 2690 with isoleucine.
Molecular consequence: missense variant.
Genome position (GRCh38, 1-based): chr15:48,412,725, C>T on the plus strand (G>A on the coding strand, the complement: FBN1 is on the minus strand). VCF-style: chr15-48412725-C-T. GRCh37 (hg19) VCF-style: chr15-48704922-C-T.
Other names: c.8070G>A, p.Met2690Ile (NM_001406716.1); short protein forms M2690I.
Identifiers: ClinVar variation 3386748 (VCV003386748.1).

ClinVar aggregate classification (germline): Uncertain significance (1 of 4 stars; one submission).

Conditions:
Marfan syndrome (MFS). Also called: MARFAN SYNDROME, TYPE I; Marfan syndrome type 1; Marfan's syndrome; FBN1-Related Marfan Syndrome; Marfan syndrome, classic. Identifiers: Orphanet 284963, Orphanet 558, MedGen C0024796, MONDO:0007947, OMIM 154700.

gnomAD v4.1: 1 of 1,614,230 alleles (0.000062%); highest among the groups gnomAD compares: Non-Finnish European, 0.000085%; no homozygotes.

Submission:

All of Us Research Program, National Institutes of Health
Classification: Uncertain significance for Marfan syndrome. Last evaluated: 2024-03-05. Review status: criteria provided, single submitter. Criteria: ACMG Guidelines, 2015. Collection method: clinical testing. Allele origin: germline. Inheritance: Autosomal dominant inheritance. Observed: 1 variant allele, 1 heterozygote.
Comment: This study involves interpretation of variants in research participants for the purpose of population health screening. Participant phenotype was not available at the time of variant classification. Additional details can be found in publication PMID: 35346344, PMCID: PMC8962531